The following is an entry in ClinVar:

NM_182493.3(MYLK3):c.1532C>A (p.Ala511Glu)

Gene: MYLK3 (myosin light chain kinase 3; minus strand). Cytogenetic location: 16q11.2.
Variant type: single nucleotide variant.
Coding change: c.1532C>A on transcript NM_182493.3 (MANE Select); coding-DNA position 1532, C replaced by A.
Protein change: p.Ala511Glu; replaces alanine 511 with glutamic acid.
Molecular consequence: missense variant.
Genome position (GRCh38, 1-based): chr16:46,730,629, G>T on the plus strand (C>A on the coding strand, the complement: MYLK3 is on the minus strand). VCF-style: chr16-46730629-G-T. GRCh37 (hg19) VCF-style: chr16-46764541-G-T.
Other names: c.509C>A, p.Ala170Glu (NM_001308301.1); short protein forms A511E, A170E.
Identifiers: ClinVar variation 3719902 (VCV003719902.2).
Genomic context (GRCh38, chr16:46,730,629, plus strand): 5'-CAACCAAGGCAGATGCCCACCTACCCTCCCAAGACTTCGTGCTGGCACACCTCGTAACCC[G>T]CAGAGATGGAGGTCTCCTTGACGCTCACTACCCGGTGTTCAAAAGGAGCTGGTGGGGCCG-3'
Protein context (NP_872299.2, residues 501-521): VVSVKETSIS[Ala511Glu]GYEVCQHEVL

ClinVar aggregate classification (germline): Uncertain significance (1 of 4 stars; one submission).

Submission:

Labcorp Genetics (formerly Invitae), Labcorp
Classification: Uncertain significance. Last evaluated: 2024-09-19. Review status: criteria provided, single submitter. Criteria: Invitae Variant Classification Sherloc (09022015). Collection method: clinical testing. Allele origin: germline.
Comment: This sequence change replaces alanine, which is neutral and non-polar, with glutamic acid, which is acidic and polar, at codon 511 of the MYLK3 protein (p.Ala511Glu). This variant is not present in population databases (gnomAD no frequency). This variant has not been reported in the literature in individuals affected with MYLK3-related conditions. An algorithm developed to predict the effect of missense changes on protein structure and function (PolyPhen-2) suggests that this variant is likely to be disruptive. In summary, the available evidence is currently insufficient to determine the role of this variant in disease. Therefore, it has been classified as a Variant of Uncertain Significance.